The following is an entry in ClinVar:

ClinVar aggregate classification (germline): Conflicting classifications of pathogenicity. Review status: criteria provided, conflicting classifications (1 of 4 stars). 3 submissions from 3 submitters: Uncertain significance (2); Benign (1). Last evaluated 2025-12-03.

Conditions:
Bethlem myopathy 1A. Also called: Bethlem myopathy 1; MYOPATHY, BENIGN CONGENITAL, WITH CONTRACTURES; Bethlem Muscular Dystrophy. Identifiers: Orphanet 610, MedGen CN029274, MONDO:0024530, OMIM 158810.

Allele frequency attached by ClinVar (database versions not stated): gnomAD exomes 0.00001 and 0.00005; gnomAD 0.00002; ExAC 0.00003; TOPMed 0.00003.

Submissions (3):

Women's Health and Genetics/Laboratory Corporation of America, LabCorp
Classification: Uncertain significance. Last evaluated: 2025-12-03. Review status: criteria provided, single submitter. Criteria: LabCorp Variant Classification Summary - May 2015. Collection method: clinical testing. Allele origin: germline.
Comment: Variant summary: COL6A3 c.3700G>A (p.Val1234Met) results in a conservative amino acid change in the encoded protein sequence. Algorithms developed to predict the effect of missense changes on protein structure and function are either unavailable or do not agree on the potential impact of this missense change. The variant allele was found at a frequency of 4.9e-05 in 245320 control chromosomes. This frequency is not significantly higher than estimated for disease-causing variants in COL6A3, allowing no conclusion about variant significance. c.3700G>A has been observed in individuals affected with Ullrich congenital muscular dystrophy 1-AR without strong evidence for causality (Ganapathy_2019, Sheth_2024). These report(s) do not provide unequivocal conclusions about association of the variant with Ullrich congenital muscular dystrophy 1-AR. To our knowledge, no experimental evidence demonstrating an impact on protein function has been reported. The following publications have been ascertained in the context of this evaluation (PMID: 31069529, 39138584). ClinVar contains an entry for this variant (Variation ID: 581505). Based on the evidence outlined above, the variant was classified as uncertain significance.

Labcorp Genetics (formerly Invitae), Labcorp
Classification: Benign for Bethlem myopathy 1A. Last evaluated: 2024-02-15. Review status: criteria provided, single submitter. Criteria: Invitae Variant Classification Sherloc (09022015). Collection method: clinical testing. Allele origin: germline.

Foundation for Research in Genetics and Endocrinology, FRIGE's Institute of Human Genetics
Classification: Uncertain significance for Bethlem myopathy 1A. Last evaluated: 2021-04-05. Review status: criteria provided, single submitter. Criteria: ACMG Guidelines, 2015. Collection method: clinical testing. Allele origin: germline. Inheritance: Autosomal dominant inheritance. Affected: yes. Observed: 1 heterozygote.
Comment: A heterozygous missense variation in exon 9 of the COL6A3 gene that results in the amino acid substitution of Methionine for Valine at codon 1234 was detected. The observed variant c.3700G>A (p.Val1234Met) has a minor allele frequency of 0.002% and 0.005% in the 1000 genomes and gnomAD databases. The in silico prediction of the variant are probably damaging by PolyPhen-2 (HumDiv), and damaging by SIFT and MutationTaster2. The reference codon is conserved across species. In summary, the variant meets our criteria to be classified as a variant of uncertain significance.

Literature cited by the submitters: PubMed 31069529 (cited by Women's Health and Genetics/Laboratory Corporation of America, LabCorp); PubMed 39138584 (cited by Women's Health and Genetics/Laboratory Corporation of America, LabCorp).

NM_004369.4(COL6A3):c.3700G>A (p.Val1234Met)

Gene: COL6A3 (collagen type VI alpha 3 chain; minus strand). Cytogenetic location: 2q37.3.
Variant type: single nucleotide variant.
Coding change: c.3700G>A on transcript NM_004369.4 (MANE Select); coding-DNA position 3700, G replaced by A.
Protein change: p.Val1234Met; replaces valine 1234 with methionine.
Molecular consequence: missense variant.
Genome position (GRCh38, 1-based): chr2:237,372,317, C>T on the plus strand (G>A on the coding strand, the complement: COL6A3 is on the minus strand). VCF-style: chr2-237372317-C-T. GRCh37 (hg19) VCF-style: chr2-238280960-C-T.
Other names: p.Val1234Met; c.2479G>A, p.Val827Met (NM_057164.5); c.3082G>A, p.Val1028Met (NM_057165.5, NM_057167.4); c.1879G>A, p.Val627Met (NM_057166.5); short protein forms V1234M, V627M, V1028M, V827M.
Identifiers: ClinVar variation 581505 (VCV000581505.15), dbSNP rs747082651, ClinGen allele CA501033.